The following is an entry in ClinVar:

ClinVar aggregate classification (germline): Pathogenic (1 of 4 stars; one submission).

Conditions:
Inborn genetic diseases. Identifiers: MedGen C0950123, MeSH D030342.

gnomAD v4.1: 2 of 1,614,142 alleles (0.00012%); no homozygotes.

Submission:

Ambry Genetics
Classification: Pathogenic for Inborn genetic diseases. Last evaluated: 2020-12-31. Review status: criteria provided, single submitter. Criteria: Ambry Variant Classification Scheme 2023. Collection method: clinical testing. Allele origin: germline.
Comment: The c.5515C>T (p.R1839*) alteration, located in exon 43 (coding exon 42) of the CIT gene, consists of a C to T substitution at nucleotide position 5515. This changes the amino acid from an arginine (R) to a stop codon at amino acid position 1839. This alteration is expected to result in loss of function by premature protein truncation or nonsense-mediated mRNA decay. Based on the available evidence, this alteration is classified as pathogenic.

NM_001206999.2(CIT):c.5515C>T (p.Arg1839Ter)

Gene: CIT (citron rho-interacting serine/threonine kinase; minus strand). Cytogenetic location: 12q24.23.
Variant type: single nucleotide variant.
Coding change: c.5515C>T on transcript NM_001206999.2 (MANE Select); coding-DNA position 5515, C replaced by T.
Protein change: p.Arg1839Ter; replaces arginine 1839 with a stop codon.
Molecular consequence: nonsense.
Genome position (GRCh38, 1-based): chr12:119,701,651, G>A on the plus strand (C>T on the coding strand, the complement: CIT is on the minus strand). VCF-style: chr12-119701651-G-A. GRCh37 (hg19) VCF-style: chr12-120139456-G-A.
Other names: c.5389C>T, p.Arg1797Ter (NM_007174.3); short protein forms R1839*, R1797*.
Identifiers: ClinVar variation 2228558 (VCV002228558.2), dbSNP rs1391231312, ClinGen allele CA386526888.
Genomic context (GRCh38, chr12:119,701,651, plus strand): 5'-CCCAAAAGGGCAGTGGGCGCAGCCACGACTCACCGTGGAAACACAGCAAGTACTCCTCTC[G>A]CTGCCCTGCGCTGTTCACCTGCACGATTGAGACAGGGAAGCTGTTGGAAGAGGCGGCAAA-3'